The following is an entry in ClinVar:

NM_198576.4(AGRN):c.4769G>C (p.Ser1590Thr)

Gene: AGRN (agrin; plus strand). Cytogenetic location: 1p36.33.
Variant type: single nucleotide variant.
Coding change: c.4769G>C on transcript NM_198576.4 (MANE Select); coding-DNA position 4769, G replaced by C.
Protein change: p.Ser1590Thr; replaces serine 1590 with threonine.
Molecular consequence: missense variant.
Genome position (GRCh38, 1-based): chr1:1,049,927, G>C. VCF-style: chr1-1049927-G-C. GRCh37 (hg19) VCF-style: chr1-985307-G-C.
Other names: c.4769G>C, p.Ser1590Thr (NM_001305275.2); c.4454G>C, p.Ser1485Thr (NM_001364727.2); short protein forms S1590T, S1485T.
Identifiers: ClinVar variation 951193 (VCV000951193.9), dbSNP rs1645227970, ClinGen allele CA337779364.

ClinVar aggregate classification (germline): Uncertain significance (1 of 4 stars; one submission).

Conditions:
Congenital myasthenic syndrome 8. Also called: MYASTHENIC SYNDROME, CONGENITAL, DUE TO AGRIN DEFICIENCY; Myasthenic syndrome, congenital, 8, with pre- and postsynaptic defects. Identifiers: Orphanet 590, MedGen C3808739, MONDO:0014052, OMIM 615120.

Allele frequency attached by ClinVar (database versions not stated): gnomAD exomes below 0.00001; TOPMed below 0.00001.
gnomAD v4.1: 3 of 1,611,188 alleles (0.00019%); highest among the groups gnomAD compares: Non-Finnish European, 0.00025%; no homozygotes.

Submission:

Labcorp Genetics (formerly Invitae), Labcorp
Classification: Uncertain significance for Congenital myasthenic syndrome 8. Last evaluated: 2022-08-31. Review status: criteria provided, single submitter. Criteria: Invitae Variant Classification Sherloc (09022015). Collection method: clinical testing. Allele origin: germline.
Comment: In summary, the available evidence is currently insufficient to determine the role of this variant in disease. Therefore, it has been classified as a Variant of Uncertain Significance. Algorithms developed to predict the effect of missense changes on protein structure and function are either unavailable or do not agree on the potential impact of this missense change (SIFT: "Deleterious"; PolyPhen-2: "Benign"; Align-GVGD: "Class C0"). ClinVar contains an entry for this variant (Variation ID: 951193). This variant has not been reported in the literature in individuals affected with AGRN-related conditions. This variant is not present in population databases (gnomAD no frequency). This sequence change replaces serine, which is neutral and polar, with threonine, which is neutral and polar, at codon 1590 of the AGRN protein (p.Ser1590Thr).